The following is an entry in ClinVar:

NM_021076.4(NEFH):c.782A>T (p.Asp261Val)

Gene: NEFH (neurofilament heavy chain; plus strand). Cytogenetic location: 22q12.2.
Variant type: single nucleotide variant.
Coding change: c.782A>T on transcript NM_021076.4 (MANE Select); coding-DNA position 782, A replaced by T.
Protein change: p.Asp261Val; replaces aspartic acid 261 with valine.
Molecular consequence: missense variant.
Genome position (GRCh38, 1-based): chr22:29,481,044, A>T. VCF-style: chr22-29481044-A-T. GRCh37 (hg19) VCF-style: chr22-29877033-A-T.
Other names: short protein forms D261V.
Identifiers: ClinVar variation 3612609 (VCV003612609.3).

ClinVar aggregate classification (germline): Uncertain significance. Review status: criteria provided, multiple submitters, no conflicts (2 of 4 stars). 2 submissions from 2 submitters: Uncertain significance (2). Last evaluated 2025-03-18.

Submissions (2):

Labcorp Genetics (formerly Invitae), Labcorp
Classification: Uncertain significance. Last evaluated: 2025-03-18. Review status: criteria provided, single submitter. Criteria: Invitae Variant Classification Sherloc (09022015). Collection method: clinical testing. Allele origin: germline.
Comment: This sequence change replaces aspartic acid, which is acidic and polar, with valine, which is neutral and non-polar, at codon 261 of the NEFH protein (p.Asp261Val). This variant is present in population databases (no rsID available, gnomAD 0.02%). This variant has not been reported in the literature in individuals affected with NEFH-related conditions. Invitae Evidence Modeling of protein sequence and biophysical properties (such as structural, functional, and spatial information, amino acid conservation, physicochemical variation, residue mobility, and thermodynamic stability) indicates that this missense variant is not expected to disrupt NEFH protein function with a negative predictive value of 95%. In summary, the available evidence is currently insufficient to determine the role of this variant in disease. Therefore, it has been classified as a Variant of Uncertain Significance.

Blueprint Genetics
Classification: Uncertain significance. Last evaluated: 2023-10-31. Review status: criteria provided, single submitter. Criteria: ACMG Guidelines, 2015. Collection method: clinical testing. Allele origin: germline.